The following is an entry in ClinVar:

NM_001040142.2(SCN2A):c.3184G>A (p.Gly1062Ser)

Gene: SCN2A (sodium voltage-gated channel alpha subunit 2; plus strand). Cytogenetic location: 2q24.3.
Variant type: single nucleotide variant.
Coding change: c.3184G>A on transcript NM_001040142.2 (MANE Select); coding-DNA position 3184, G replaced by A.
Protein change: p.Gly1062Ser; replaces glycine 1062 with serine.
Molecular consequence: missense variant.
Genome position (GRCh38, 1-based): chr2:165,354,456, G>A. VCF-style: chr2-165354456-G-A. GRCh37 (hg19) VCF-style: chr2-166210966-G-A.
Other names: c.3184G>A, p.Gly1062Ser (NM_001040143.2, NM_001371246.1, NM_001371247.1 and 1 more transcripts); c.3184G>A (NM_021007.2); short protein forms G1062S.
Identifiers: ClinVar variation 2123503 (VCV002123503.5), dbSNP rs982953473, ClinGen allele CA59724960.
Genomic context (GRCh38, chr2:165,354,456, plus strand): 5'-CTTGAAGATCTAAATAATAAAAAAGACAGCTGTATTTCCAACCATACCACCATAGAAATA[G>A]GCAAAGACCTCAATTATCTCAAAGACGGAAATGGAACTACTAGTGGCATAGGCAGCAGTG-3'
Protein context (NP_001035232.1, residues 1052-1072): CISNHTTIEI[Gly1062Ser]KDLNYLKDGN

ClinVar aggregate classification (germline): Uncertain significance. Review status: criteria provided, multiple submitters, no conflicts (2 of 4 stars). 2 submissions from 2 submitters: Uncertain significance (2). Last evaluated 2025-04-17.

Conditions:
Seizures, benign familial infantile, 3 (BFIS3). Also called: CONVULSIONS, BENIGN FAMILIAL INFANTILE, 3; Familial neonatal seizures. Identifiers: Orphanet 140927, Orphanet 306, MedGen C1843140, MONDO:0011904, OMIM 607745.
Developmental and epileptic encephalopathy, 11 (DEE11). Also called: Early infantile epileptic encephalopathy 11. Identifiers: Orphanet 1934, MedGen C3150987, MONDO:0013388, OMIM 613721.

Allele frequency attached by ClinVar (database versions not stated): gnomAD 0.00001; TOPMed 0.00001.
gnomAD v4.1: 3 of 1,613,942 alleles (0.00019%); highest among the groups gnomAD compares: African/African-American, 0.0027%; no homozygotes.

Submissions (2):

Labcorp Genetics (formerly Invitae), Labcorp
Classification: Uncertain significance for Seizures, benign familial infantile, 3; Developmental and epileptic encephalopathy, 11. Last evaluated: 2025-04-17. Review status: criteria provided, single submitter. Criteria: Invitae Variant Classification Sherloc (09022015). Collection method: clinical testing. Allele origin: germline.
Comment: This sequence change replaces glycine, which is neutral and non-polar, with serine, which is neutral and polar, at codon 1062 of the SCN2A protein (p.Gly1062Ser). This variant is present in population databases (no rsID available, gnomAD 0.02%). This variant has not been reported in the literature in individuals affected with SCN2A-related conditions. ClinVar contains an entry for this variant (Variation ID: 2123503). Invitae Evidence Modeling of protein sequence and biophysical properties (such as structural, functional, and spatial information, amino acid conservation, physicochemical variation, residue mobility, and thermodynamic stability) indicates that this missense variant is not expected to disrupt SCN2A protein function with a negative predictive value of 95%. In summary, the available evidence is currently insufficient to determine the role of this variant in disease. Therefore, it has been classified as a Variant of Uncertain Significance.

GeneDx
Classification: Uncertain significance. Last evaluated: 2024-01-18. Review status: criteria provided, single submitter. Criteria: GeneDx Variant Classification Process June 2021. Collection method: clinical testing. Allele origin: germline. Affected: yes.
Comment: Missense variants in this gene are a common cause of disease and they are underrepresented in the general population; In silico analysis supports that this missense variant does not alter protein structure/function; This substitution is predicted to be in the cytoplasmic loop between the second and third homologous domains; Has not been previously published as pathogenic or benign to our knowledge